The following is an entry in ClinVar:

NM_001035.3(RYR2):c.14604T>A (p.Asp4868Glu)

Gene: RYR2 (ryanodine receptor 2; plus strand). Cytogenetic location: 1q43.
Variant type: single nucleotide variant.
Coding change: c.14604T>A on transcript NM_001035.3 (MANE Select); coding-DNA position 14604, T replaced by A.
Protein change: p.Asp4868Glu; replaces aspartic acid 4868 with glutamic acid.
Molecular consequence: missense variant.
Genome position (GRCh38, 1-based): chr1:237,828,394, T>A. VCF-style: chr1-237828394-T-A. GRCh37 (hg19) VCF-style: chr1-237991694-T-A.
Other names: short protein forms D4868E.
Identifiers: ClinVar variation 2102230 (VCV002102230.4), dbSNP rs2528437989, ClinGen allele CA345429271.
Genomic context (GRCh38, chr1:237,828,394, plus strand): 5'-TATTCATTGCTTGATAAAGATTAAATTGTGTTTTTATTTAACACCAGGTCTAATTATTGA[T>A]GCTTTTGGAGAACTAAGAGACCAACAGGAACAAGTCAAAGAAGACATGGAGGTAAGCTTC-3'
Protein context (NP_001026.2, residues 4858-4878): LLAIIQGLII[Asp4868Glu]AFGELRDQQE

ClinVar aggregate classification (germline): Uncertain significance (1 of 4 stars; one submission).

Conditions:
Catecholaminergic polymorphic ventricular tachycardia 1. Also called: VENTRICULAR TACHYCARDIA, STRESS-INDUCED POLYMORPHIC 1; RYR2-Related Catecholaminergic Polymorphic Ventricular Tachycardia; VENTRICULAR TACHYCARDIA, CATECHOLAMINERGIC POLYMORPHIC, 1, WITH OR WITHOUT ATRIAL DYSFUNCTION AND/OR DILATED CARDIOMYOPATHY. Identifiers: Orphanet 3286, MedGen C1631597, MONDO:0011484, OMIM 604772.

Submission:

Labcorp Genetics (formerly Invitae), Labcorp
Classification: Uncertain significance for Catecholaminergic polymorphic ventricular tachycardia 1. Last evaluated: 2022-02-22. Review status: criteria provided, single submitter. Criteria: Invitae Variant Classification Sherloc (09022015). Collection method: clinical testing. Allele origin: germline.
Comment: This sequence change replaces aspartic acid, which is acidic and polar, with glutamic acid, which is acidic and polar, at codon 4868 of the RYR2 protein (p.Asp4868Glu). In summary, the available evidence is currently insufficient to determine the role of this variant in disease. Therefore, it has been classified as a Variant of Uncertain Significance. Advanced modeling of protein sequence and biophysical properties (such as structural, functional, and spatial information, amino acid conservation, physicochemical variation, residue mobility, and thermodynamic stability) performed at Invitae indicates that this missense variant is expected to disrupt RYR2 protein function. This variant has not been reported in the literature in individuals affected with RYR2-related conditions. This variant is not present in population databases (gnomAD no frequency).